The following is an entry in ClinVar:

ClinVar aggregate classification (germline): Uncertain significance (1 of 4 stars; one submission).

Submission:

GeneDx
Classification: Uncertain significance. Last evaluated: 2024-10-11. Review status: criteria provided, single submitter. Criteria: GeneDx Variant Classification Process June 2021. Collection method: clinical testing. Allele origin: germline. Affected: yes.
Comment: Not observed at significant frequency in large population cohorts (gnomAD); In silico analysis supports that this missense variant has a deleterious effect on protein structure/function; Has not been previously published as pathogenic or benign to our knowledge

NM_000381.4(MID1):c.79C>G (p.His27Asp)

Gene: MID1 (midline 1; minus strand). Cytogenetic location: Xp22.2.
Variant type: single nucleotide variant.
Coding change: c.79C>G on transcript NM_000381.4 (MANE Select); coding-DNA position 79, C replaced by G.
Protein change: p.His27Asp; replaces histidine 27 with aspartic acid.
Molecular consequence: missense variant.
Genome position (GRCh38, 1-based): chrX:10,567,469, G>C on the plus strand (C>G on the coding strand, the complement: MID1 is on the minus strand). VCF-style: chrX-10567469-G-C. GRCh37 (hg19) VCF-style: chrX-10535509-G-C.
Other names: c.79C>G, p.His27Asp (NM_001098624.2, NM_001193277.1, NM_001193278.1 and 5 more transcripts); short protein forms H27D.
Identifiers: ClinVar variation 3781083 (VCV003781083.1).